The following is an entry in ClinVar:

NM_015557.3(CHD5):c.4139A>T (p.Asp1380Val)

Gene: CHD5 (chromodomain helicase DNA binding protein 5; minus strand). Cytogenetic location: 1p36.31.
Variant type: single nucleotide variant.
Coding change: c.4139A>T on transcript NM_015557.3 (MANE Select); coding-DNA position 4139, A replaced by T.
Protein change: p.Asp1380Val; replaces aspartic acid 1380 with valine.
Molecular consequence: missense variant.
Genome position (GRCh38, 1-based): chr1:6,125,798, T>A on the plus strand (A>T on the coding strand, the complement: CHD5 is on the minus strand). VCF-style: chr1-6125798-T-A. GRCh37 (hg19) VCF-style: chr1-6185858-T-A.
Other names: short protein forms D1380V.
Identifiers: ClinVar variation 2582098 (VCV002582098.1), dbSNP rs2525369508, ClinGen allele CA338073421.

ClinVar aggregate classification (germline): Uncertain significance (1 of 4 stars; one submission).

Submission:

GeneDx
Classification: Uncertain significance. Last evaluated: 2023-03-28. Review status: criteria provided, single submitter. Criteria: GeneDx Variant Classification Process June 2021. Collection method: clinical testing. Allele origin: germline. Affected: yes.
Comment: Not observed at significant frequency in large population cohorts (gnomAD); In silico analysis supports that this missense variant has a deleterious effect on protein structure/function; Has not been previously published as pathogenic or benign to our knowledge